The following is an entry in ClinVar:

NM_001130009.3(GEN1):c.1751A>C (p.His584Pro)

Gene: GEN1 (GEN1 structure-specific endonuclease; plus strand). Cytogenetic location: 2p24.2.
Variant type: single nucleotide variant.
Coding change: c.1751A>C on transcript NM_001130009.3 (MANE Select); coding-DNA position 1751, A replaced by C.
Protein change: p.His584Pro; replaces histidine 584 with proline.
Molecular consequence: missense variant.
Genome position (GRCh38, 1-based): chr2:17,780,963, A>C. VCF-style: chr2-17780963-A-C. GRCh37 (hg19) VCF-style: chr2-17962230-A-C.
Other names: c.1751A>C, p.His584Pro (NM_182625.5); short protein forms H584P.
Identifiers: ClinVar variation 2184669 (VCV002184669.4), dbSNP rs1358271239, ClinGen allele CA345926544.

ClinVar aggregate classification (germline): Uncertain significance (1 of 4 stars; one submission).

Allele frequency attached by ClinVar (database versions not stated): TOPMed below 0.00001; gnomAD 0.00001.
gnomAD v4.1: 2 of 1,613,564 alleles (0.00012%); highest among the groups gnomAD compares: East Asian, 0.0022%; no homozygotes.

Submission:

Labcorp Genetics (formerly Invitae), Labcorp
Classification: Uncertain significance. Last evaluated: 2024-09-08. Review status: criteria provided, single submitter. Criteria: Invitae Variant Classification Sherloc (09022015). Collection method: clinical testing. Allele origin: germline.
Comment: This sequence change replaces histidine, which is basic and polar, with proline, which is neutral and non-polar, at codon 584 of the GEN1 protein (p.His584Pro). This variant is present in population databases (no rsID available, gnomAD 0.01%). This variant has not been reported in the literature in individuals affected with GEN1-related conditions. ClinVar contains an entry for this variant (Variation ID: 2184669). An algorithm developed to predict the effect of missense changes on protein structure and function (PolyPhen-2) suggests that this variant is likely to be disruptive. In summary, the available evidence is currently insufficient to determine the role of this variant in disease. Therefore, it has been classified as a Variant of Uncertain Significance.